The following is an entry in ClinVar:

ClinVar aggregate classification (germline): Uncertain significance (1 of 4 stars; one submission).

Allele frequency attached by ClinVar (database versions not stated): TOPMed below 0.00001; gnomAD 0.00001; gnomAD exomes 0.00001.
gnomAD v4.1: 9 of 1,613,616 alleles (0.00056%); highest among the groups gnomAD compares: Non-Finnish European, 0.00076%; no homozygotes.

Submission:

Ambry Genetics
Classification: Uncertain significance. Last evaluated: 2022-05-02. Review status: criteria provided, single submitter. Criteria: Ambry Variant Classification Scheme 2023. Collection method: clinical testing. Allele origin: germline.
Comment: The p.G2153D variant (also known as c.6458G>A), located in coding exon 21 of the POLQ gene, results from a G to A substitution at nucleotide position 6458. The glycine at codon 2153 is replaced by aspartic acid, an amino acid with similar properties. This amino acid position is conserved. In addition, this alteration is predicted to be tolerated by in silico analysis. Since supporting evidence is limited at this time, the clinical significance of this alteration remains unclear.

NM_199420.4(POLQ):c.6458G>A (p.Gly2153Asp)

Gene: POLQ (DNA polymerase theta; minus strand). Cytogenetic location: 3q13.33.
Variant type: single nucleotide variant.
Coding change: c.6458G>A on transcript NM_199420.4 (MANE Select); coding-DNA position 6458, G replaced by A.
Protein change: p.Gly2153Asp; replaces glycine 2153 with aspartic acid.
Molecular consequence: missense variant.
Genome position (GRCh38, 1-based): chr3:121,473,435, C>T on the plus strand (G>A on the coding strand, the complement: POLQ is on the minus strand). VCF-style: chr3-121473435-C-T. GRCh37 (hg19) VCF-style: chr3-121192282-C-T.
Other names: short protein forms G2153D.
Identifiers: ClinVar variation 1753631 (VCV001753631.2), dbSNP rs1424069394, ClinGen allele CA354086046.